The following is an entry in ClinVar:

ClinVar aggregate classification (germline): Conflicting classifications of pathogenicity. Review status: criteria provided, conflicting classifications (1 of 4 stars). 3 submissions from 3 submitters: Uncertain significance (2); Benign (1). Last evaluated 2025-04-25.

Conditions:
Tuberous sclerosis 1 (TSC1). Identifiers: Orphanet 805, MedGen C1854465, MONDO:0008612, OMIM 191100.
Hereditary cancer-predisposing syndrome. Also called: Neoplastic Syndromes, Hereditary; Hereditary Cancer Syndrome; Tumor predisposition; Hereditary neoplastic syndrome. Identifiers: Orphanet 140162, MedGen C0027672, MeSH D009386, MONDO:0015356.

Submissions (3):

Myriad Genetics, Inc.
Classification: Benign for Tuberous sclerosis 1. Last evaluated: 2025-04-25. Review status: criteria provided, single submitter. Criteria: Myriad Autosomal Dominant, Autosomal Recessive and X-Linked Classification Criteria (2023). Collection method: clinical testing. Allele origin: unknown.
Comment: This variant is considered benign. This variant is a silent/synonymous amino acid change and it is not expected to impact splicing.

Ambry Genetics
Classification: Uncertain significance for Hereditary cancer-predisposing syndrome. Last evaluated: 2024-10-28. Review status: criteria provided, single submitter. Criteria: Ambry Variant Classification Scheme 2023. Collection method: clinical testing. Allele origin: germline.
Comment: The c.2479C>T variant (also known as p.L827L), located in coding exon 17 of the TSC1 gene, results from a C to T substitution at nucleotide position 2479. This nucleotide substitution does not change the at codon 827. This nucleotide position is highly conserved in available vertebrate species. In silico splice site analysis for this alteration is inconclusive. Based on the available evidence, the clinical significance of this variant remains unclear.

Sema4
Classification: Uncertain significance for Hereditary cancer-predisposing syndrome. Last evaluated: 2021-09-13. Review status: criteria provided, single submitter. Criteria: Sema4 Curation Guidelines. Collection method: curation. Allele origin: germline.
Comment: The TSC1 c.2479C>T (p.L827=) variant has not been reported in the literature to our knowledge. It was not observed in the large and broad cohorts of the Genome Aggregation Database (PMID: 32461654), and has not been reported in ClinVar. In silico tools suggest the variant may disrupt normal splicing, though these predictions have not been confirmed by functional studies. The evidence is insufficient to meet ACMG/AMP criteria for classifying the variant as benign or pathogenic. Thus, the clinical significance of this variant is currently uncertain.

NM_000368.5(TSC1):c.2479C>T (p.Leu827=)

Gene: TSC1 (TSC complex subunit 1; minus strand). Cytogenetic location: 9q34.13.
Variant type: single nucleotide variant.
Coding change: c.2479C>T on transcript NM_000368.5 (MANE Select); coding-DNA position 2479, C replaced by T.
Protein change: p.Leu827=; no amino-acid change (leucine 827 retained).
Molecular consequence: synonymous variant. On other transcripts: non-coding transcript variant (5), intron variant (8).
Genome position (GRCh38, 1-based): chr9:132,901,612, G>A on the plus strand (C>T on the coding strand, the complement: TSC1 is on the minus strand). VCF-style: chr9-132901612-G-A. GRCh37 (hg19) VCF-style: chr9-135776999-G-A.
Other names: c.2476C>T, p.Leu826= (NM_001162426.2, NM_001406597.1, NM_001406598.1 and 2 more transcripts); c.2326C>T, p.Leu776= (NM_001162427.2, NM_001406610.1); c.2116C>T, p.Leu706= (NM_001362177.2, NM_001406614.1, NM_001406615.1 and 4 more transcripts); c.2479C>T, p.Leu827= (NM_001406592.1, NM_001406593.1, NM_001406594.1 and 2 more transcripts); c.2464C>T, p.Leu822= (NM_001406601.1, NM_001406602.1); c.2461C>T, p.Leu821= (NM_001406603.1, NM_001406604.1); c.2323C>T, p.Leu775= (NM_001406611.1, NM_001406612.1); c.2113C>T, p.Leu705= (NM_001406620.1, NM_001406621.1, NM_001406622.1 and 1 more transcripts); and 8 more.
Identifiers: ClinVar variation 1692396 (VCV001692396.3), dbSNP rs2131704085, ClinGen allele CA467590441.